The following is an entry in ClinVar:

ClinVar aggregate classification (germline): Conflicting classifications of pathogenicity. Review status: criteria provided, conflicting classifications (1 of 4 stars). 6 submissions from 6 submitters: Uncertain significance (4); Likely benign (1). 1 of the submissions does not count toward it. Last evaluated 2026-06-08.

Conditions:
ADGRV1-related disorder. Also called: ADGRV1-related condition; ADGRV1-related disorders.
Retinal dystrophy. Also called: Inherited retinal dystrophy. Identifiers: Orphanet 71862, MedGen C0854723, MeSH D058499, MONDO:0019118, HP:0000556.
Usher syndrome type 2C. Also called: Usher syndrome, type 2B; USHER SYNDROME, TYPE IIC. Identifiers: Orphanet 231178, Orphanet 886, MedGen C2931213, MONDO:0011558, OMIM 605472.

Allele frequency attached by ClinVar (database versions not stated): ExAC 0.00005; gnomAD 0.00005; TOPMed 0.00005; gnomAD exomes 0.00006; ESP Exome Variant Server 0.00008.
gnomAD v4.1: 214 of 1,613,622 alleles (0.013%); highest among the groups gnomAD compares: Middle Eastern, 0.049%; no homozygotes.

Submissions (6):

PreventionGenetics, part of Exact Sciences
Classification: Uncertain significance for ADGRV1-related condition. Last evaluated: 2026-06-08. Review status: criteria provided, single submitter. Criteria: ACMG Guidelines, 2015. Collection method: clinical testing. Allele origin: germline.
Comment: The ADGRV1 c.18217G>A variant is predicted to result in the amino acid substitution p.Val6073Met. To our knowledge, this variant has not been reported in the literature. This variant is reported in 0.020% of alleles in individuals of Ashkenazi Jewish descent in gnomAD. At this time, the clinical significance of this variant is uncertain due to the absence of conclusive functional and genetic evidence.

Labcorp Genetics (formerly Invitae), Labcorp
Classification: Likely benign. Last evaluated: 2026-01-18. Review status: criteria provided, single submitter. Criteria: Invitae Variant Classification Sherloc (09022015). Collection method: clinical testing. Allele origin: germline.

Blueprint Genetics
Classification: Uncertain significance. Last evaluated: 2024-10-18. Review status: criteria provided, single submitter. Criteria: ACMG Guidelines, 2015. Collection method: clinical testing. Allele origin: germline.

GeneDx
Classification: Uncertain significance. Last evaluated: 2020-10-15. Review status: criteria provided, single submitter. Criteria: GeneDx Variant Classification Process June 2021. Collection method: clinical testing. Allele origin: germline. Affected: yes.
Comment: In silico analysis, which includes protein predictors and evolutionary conservation, supports that this variant does not alter protein structure/function; Has not been previously published as pathogenic or benign to our knowledge

Illumina Laboratory Services, Illumina
Classification: Uncertain significance for Usher syndrome type 2C. Last evaluated: 2018-01-13. Review status: criteria provided, single submitter. Criteria: ICSL Variant Classification Criteria 13 December 2019. Collection method: clinical testing. Allele origin: germline.

Institute of Human Genetics, Univ. Regensburg, Univ. Regensburg
Classification: Uncertain significance for Retinal dystrophy. Last evaluated: 2022-01-01. Review status: no assertion criteria provided. Criteria: ACMG Guidelines, 2015. Collection method: clinical testing. Allele origin: germline. Affected: yes. Not counted in ClinVar's aggregate classification.

NM_032119.4(ADGRV1):c.18217G>A (p.Val6073Met)

Gene: ADGRV1 (adhesion G protein-coupled receptor V1; plus strand). Cytogenetic location: 5q14.3.
Variant type: single nucleotide variant.
Coding change: c.18217G>A on transcript NM_032119.4 (MANE Select); coding-DNA position 18217, G replaced by A.
Protein change: p.Val6073Met; replaces valine 6073 with methionine.
Molecular consequence: missense variant. On other transcripts: non-coding transcript variant (1).
Genome position (GRCh38, 1-based): chr5:91,072,511, G>A. VCF-style: chr5-91072511-G-A. GRCh37 (hg19) VCF-style: chr5-90368328-G-A.
Other names: short protein forms V6073M.
Identifiers: ClinVar variation 866192 (VCV000866192.16), dbSNP rs377173958, ClinGen allele CA3342595.